The following is an entry in ClinVar:

NM_000293.3(PHKB):c.392G>A (p.Arg131His)

Gene: PHKB (phosphorylase kinase regulatory subunit beta; plus strand). Cytogenetic location: 16q12.1.
Variant type: single nucleotide variant.
Coding change: c.392G>A on transcript NM_000293.3 (MANE Select); coding-DNA position 392, G replaced by A.
Protein change: p.Arg131His; replaces arginine 131 with histidine.
Molecular consequence: missense variant.
Genome position (GRCh38, 1-based): chr16:47,503,077, G>A. VCF-style: chr16-47503077-G-A. GRCh37 (hg19) VCF-style: chr16-47536988-G-A.
Other names: c.371G>A, p.Arg124His (NM_001031835.3); c.392G>A, p.Arg131His (NM_001363837.1); short protein forms R124H, R131H.
Identifiers: ClinVar variation 3359841 (VCV003359841.2).

ClinVar aggregate classification (germline): Uncertain significance. Review status: criteria provided, multiple submitters, no conflicts (2 of 4 stars). 2 submissions from 2 submitters: Uncertain significance (2). Last evaluated 2025-08-03.

Conditions:
Inborn genetic diseases. Identifiers: MedGen C0950123, MeSH D030342.

gnomAD v4.1: 57 of 1,601,484 alleles (0.0036%); highest among the groups gnomAD compares: Middle Eastern, 0.016%; no homozygotes.

Submissions (2):

Ambry Genetics
Classification: Uncertain significance for Inborn genetic diseases. Last evaluated: 2025-08-03. Review status: criteria provided, single submitter. Criteria: Ambry Variant Classification Scheme 2023. Collection method: clinical testing. Allele origin: germline.

GeneDx
Classification: Uncertain significance. Last evaluated: 2023-06-13. Review status: criteria provided, single submitter. Criteria: GeneDx Variant Classification Process June 2021. Collection method: clinical testing. Allele origin: germline. Affected: yes.
Comment: In silico analysis supports that this missense variant has a deleterious effect on protein structure/function; Has not been previously published as pathogenic or benign to our knowledge